The following is an entry in ClinVar:

ClinVar aggregate classification (germline): Uncertain significance. Review status: criteria provided, multiple submitters, no conflicts (2 of 4 stars). 2 submissions from 2 submitters: Uncertain significance (2). Last evaluated 2025-06-18.

Conditions:
Joubert syndrome. Also called: Familial aplasia of the vermis; JOUBERT-BOLTSHAUSER SYNDROME. Identifiers: Orphanet 475, MedGen C5979921, MONDO:0018772.
INPP5E-related disorder. Also called: INPP5E-related condition.

Allele frequency attached by ClinVar (database versions not stated): gnomAD exomes below 0.00001; gnomAD 0.00006.

Submissions (2):

PreventionGenetics, part of Exact Sciences
Classification: Uncertain significance for INPP5E-related condition. Last evaluated: 2025-06-18. Review status: criteria provided, single submitter. Criteria: ACMG Guidelines, 2015. Collection method: clinical testing. Allele origin: germline.
Comment: The INPP5E c.106_126dup21 variant is predicted to result in an in-frame duplication (p.Ala36_Ala42dup). To our knowledge, this variant has not been reported in the literature. This variant is reported in 0.031% of alleles in individuals of African descent in gnomAD. At this time, the clinical significance of this variant is uncertain due to the absence of conclusive functional and genetic evidence.

Labcorp Genetics (formerly Invitae), Labcorp
Classification: Uncertain significance for Joubert syndrome. Last evaluated: 2022-02-04. Review status: criteria provided, single submitter. Criteria: Invitae Variant Classification Sherloc (09022015). Collection method: clinical testing. Allele origin: germline.
Comment: This variant, c.106_126dup, results in the insertion of 7 amino acid(s) of the INPP5E protein (p.Ala36_Ala42dup), but otherwise preserves the integrity of the reading frame. This variant is present in population databases (no rsID available, gnomAD 0.03%). This variant has not been reported in the literature in individuals affected with INPP5E-related conditions. ClinVar contains an entry for this variant (Variation ID: 1006386). Experimental studies and prediction algorithms are not available or were not evaluated, and the functional significance of this variant is currently unknown. In summary, the available evidence is currently insufficient to determine the role of this variant in disease. Therefore, it has been classified as a Variant of Uncertain Significance.

NM_019892.6(INPP5E):c.106_126dup (p.Ala36_Ala42dup)

Gene: INPP5E (inositol polyphosphate-5-phosphatase E; minus strand). Cytogenetic location: 9q34.3.
Variant type: Duplication.
Coding change: c.106_126dup on transcript NM_019892.6 (MANE Select); coding-DNA positions 106 to 126, 21 bases duplicated (GCGGGGTCCCCACCCGATGCT).
Protein change: p.Ala36_Ala42dup.
Molecular consequence: inframe insertion.
Genome position (GRCh38, 1-based): chr9:136,439,294-136,439,314, AGCATCGGGTGGGGACCCCGC duplicated on the plus strand (GCGGGGTCCCCACCCGATGCT on the coding strand, the reverse complement: INPP5E is on the minus strand). VCF-style (leftmost placement, unchanged base first): chr9-136439293-G-GAGCATCGGGTGGGGACCCCGC. GRCh37 (hg19) VCF-style: chr9-139333745-G-GAGCATCGGGTGGGGACCCCGC.
Other names: c.106_126dup21 (NM_019892.5); c.106_126dup, p.Ala36_Ala42dup (NM_001318502.2).
Identifiers: ClinVar variation 1006386 (VCV001006386.9), dbSNP rs1240005643, ClinGen allele CA591186209.